The following is an entry in ClinVar:

ClinVar aggregate classification (germline): Uncertain significance. Review status: criteria provided, multiple submitters, no conflicts (2 of 4 stars). 3 submissions from 3 submitters: Uncertain significance (3). Last evaluated 2025-01-06.

Conditions:
Inborn genetic diseases. Identifiers: MedGen C0950123, MeSH D030342.

Allele frequency attached by ClinVar (database versions not stated): gnomAD exomes below 0.00001; TOPMed below 0.00001; gnomAD 0.00002.
gnomAD v4.1: 5 of 1,613,040 alleles (0.00031%); highest among the groups gnomAD compares: African/African-American, 0.0067%; 1 homozygote.

Submissions (3):

Labcorp Genetics (formerly Invitae), Labcorp
Classification: Uncertain significance. Last evaluated: 2025-01-06. Review status: criteria provided, single submitter. Criteria: Invitae Variant Classification Sherloc (09022015). Collection method: clinical testing. Allele origin: germline.
Comment: This sequence change replaces leucine, which is neutral and non-polar, with arginine, which is basic and polar, at codon 790 of the ABCA4 protein (p.Leu790Arg). This variant is not present in population databases (gnomAD no frequency). This variant has not been reported in the literature in individuals affected with ABCA4-related conditions. ClinVar contains an entry for this variant (Variation ID: 1403323). Invitae Evidence Modeling of protein sequence and biophysical properties (such as structural, functional, and spatial information, amino acid conservation, physicochemical variation, residue mobility, and thermodynamic stability) indicates that this missense variant is expected to disrupt ABCA4 protein function with a positive predictive value of 95%. In summary, the available evidence is currently insufficient to determine the role of this variant in disease. Therefore, it has been classified as a Variant of Uncertain Significance.

Ambry Genetics
Classification: Uncertain significance for Inborn genetic diseases. Last evaluated: 2024-08-12. Review status: criteria provided, single submitter. Criteria: Ambry Variant Classification Scheme 2023. Collection method: clinical testing. Allele origin: germline.

Blueprint Genetics
Classification: Uncertain significance. Last evaluated: 2023-06-02. Review status: criteria provided, single submitter. Criteria: ACMG Guidelines, 2015. Collection method: clinical testing. Allele origin: germline.

NM_000350.3(ABCA4):c.2369T>G (p.Leu790Arg)

Gene: ABCA4 (ATP binding cassette subfamily A member 4; minus strand). Cytogenetic location: 1p22.1.
Variant type: single nucleotide variant.
Coding change: c.2369T>G on transcript NM_000350.3 (MANE Select); coding-DNA position 2369, T replaced by G.
Protein change: p.Leu790Arg; replaces leucine 790 with arginine.
Molecular consequence: missense variant.
Genome position (GRCh38, 1-based): chr1:94,056,614, A>C on the plus strand (T>G on the coding strand, the complement: ABCA4 is on the minus strand). VCF-style: chr1-94056614-A-C. GRCh37 (hg19) VCF-style: chr1-94522170-A-C.
Other names: c.2369T>G (NM_000350.2); short protein forms L790R.
Identifiers: ClinVar variation 1403323 (VCV001403323.9), dbSNP rs547925462, ClinGen allele CA26844027.
Genomic context (GRCh38, chr1:94,056,614, plus strand): 5'-TTCCAAGGAAACGTGTTGTAGGACAGGGGCCAGCCCAAGGGCCTCACCACAGCCTTCTTC[A>C]GCTCAGCGGTCATGCGGTCCTGCCAGGCGAAGCACAGGATGTGTGGCAGGTAGAGGGTGA-3'
Protein context (NP_000341.2, residues 780-800): FAWQDRMTAE[Leu790Arg]KKAVSLLSPV